The following is an entry in ClinVar:

ClinVar aggregate classification (germline): Uncertain significance (1 of 4 stars; one submission).

Conditions:
Marshall-Smith syndrome (MRSHSS). Identifiers: Orphanet 561, MedGen C0265211, MONDO:0011244, OMIM 602535.
Malan overgrowth syndrome (MALNS). Also called: MALAN SYNDROME; NFIX-Related Malan Syndrome; Sotos syndrome 2. Identifiers: Orphanet 420179, MedGen C3553660, MONDO:0013885, OMIM 614753.

gnomAD v4.1: 8 of 1,614,252 alleles (0.0005%); highest among the groups gnomAD compares: Admixed American, 0.0017%; no homozygotes.

Submission:

Labcorp Genetics (formerly Invitae), Labcorp
Classification: Uncertain significance for Malan overgrowth syndrome; Marshall-Smith syndrome. Last evaluated: 2024-01-25. Review status: criteria provided, single submitter. Criteria: Invitae Variant Classification Sherloc (09022015). Collection method: clinical testing. Allele origin: germline.
Comment: This sequence change replaces alanine, which is neutral and non-polar, with threonine, which is neutral and polar, at codon 63 of the NFIX protein (p.Ala63Thr). This variant is not present in population databases (gnomAD no frequency). This variant has not been reported in the literature in individuals affected with NFIX-related conditions. Experimental studies and prediction algorithms are not available or were not evaluated, and the functional significance of this variant is currently unknown. In summary, the available evidence is currently insufficient to determine the role of this variant in disease. Therefore, it has been classified as a Variant of Uncertain Significance.

NM_001365902.3(NFIX):c.163G>A (p.Ala55Thr)

Gene: NFIX (nuclear factor I X; plus strand). Cytogenetic location: 19p13.13.
Variant type: single nucleotide variant.
Coding change: c.163G>A on transcript NM_001365902.3 (MANE Select); coding-DNA position 163, G replaced by A.
Protein change: p.Ala55Thr; replaces alanine 55 with threonine.
Molecular consequence: missense variant.
Genome position (GRCh38, 1-based): chr19:13,025,156, G>A. VCF-style: chr19-13025156-G-A. GRCh37 (hg19) VCF-style: chr19-13135970-G-A.
Other names: c.187G>A, p.Ala63Thr (NM_001271043.2); c.139G>A, p.Ala47Thr (NM_001271044.3, NM_001378404.1); c.163G>A, p.Ala55Thr (NM_001365982.2, NM_002501.4); c.22G>A, p.Ala8Thr (NM_001365983.2); c.160G>A, p.Ala54Thr (NM_001365984.2, NM_001365985.2); c.211G>A, p.Ala71Thr (NM_001378405.1); short protein forms A47T, A54T, A55T, A63T, A71T, A8T.
Identifiers: ClinVar variation 3752371 (VCV003752371.2).